The following is an entry in ClinVar:

NM_004586.3(RPS6KA3):c.2205C>T (p.Ile735=)

Gene: RPS6KA3 (ribosomal protein S6 kinase A3; minus strand). Cytogenetic location: Xp22.12.
Variant type: single nucleotide variant.
Coding change: c.2205C>T on transcript NM_004586.3 (MANE Select); coding-DNA position 2205, C replaced by T.
Protein change: p.Ile735=; no amino-acid change (isoleucine 735 retained).
Molecular consequence: synonymous variant.
Genome position (GRCh38, 1-based): chrX:20,155,416, G>A on the plus strand (C>T on the coding strand, the complement: RPS6KA3 is on the minus strand). VCF-style: chrX-20155416-G-A. GRCh37 (hg19) VCF-style: chrX-20173534-G-A.
Other names: c.2205C>T (NM_004586.2).
Identifiers: ClinVar variation 2057737 (VCV002057737.6), dbSNP rs371053039, ClinGen allele CA10366026.
Genomic context (GRCh38, chrX:20,155,416, plus strand): 5'-ATCAGCTTACACCATGGTACCAAATATCTCACTGAGGTCACTTCACAGGGCTGTTGAGGT[G>A]ATTTTTTTAATACCTCTCCGCTGAGCAAGAGTAGAGCGGCCTACTGGTTCCAAAACTGGT-3'
Protein context (NP_004577.1, residues 725-740): TLAQRRGIKK[Ile735=]TSTAL

ClinVar aggregate classification (germline): Likely benign. Review status: criteria provided, single submitter (1 of 4 stars). 2 submissions from 2 submitters: Likely benign (1). 1 of the submissions does not count toward it. Last evaluated 2022-03-12.

Conditions:
Coffin-Lowry syndrome (CLS). Also called: COFFIN-LOWRY SYNDROME, MILD; Mental retardation with osteocartilaginous abnormalities. Identifiers: Orphanet 192, MedGen C0265252, MONDO:0010561, OMIM 303600.
Intellectual developmental disorder, X-linked 19. Also called: Intellectual disability, X-linked 19. Identifiers: Orphanet 777, MedGen C0796225, MONDO:0010447, OMIM 300844.
RPS6KA3-related disorder. Also called: RPS6KA3-related condition.

Allele frequency attached by ClinVar (database versions not stated): ExAC 0.00002; gnomAD 0.00002; TOPMed 0.00003; ESP Exome Variant Server 0.00009.
gnomAD v4.1: 16 of 1,208,399 alleles (0.0013%); highest among the groups gnomAD compares: Non-Finnish European, 0.0018%; no homozygotes.

Submissions (2):

Labcorp Genetics (formerly Invitae), Labcorp
Classification: Likely benign for Coffin-Lowry syndrome; Intellectual developmental disorder, X-linked 19. Last evaluated: 2022-03-12. Review status: criteria provided, single submitter. Criteria: Invitae Variant Classification Sherloc (09022015). Collection method: clinical testing. Allele origin: germline.

PreventionGenetics, part of Exact Sciences
Classification: Likely benign for RPS6KA3-related condition. Last evaluated: 2021-08-31. Review status: no assertion criteria provided. Collection method: clinical testing. Allele origin: germline. Not counted in ClinVar's aggregate classification.
Comment: This variant is classified as likely benign based on ACMG/AMP sequence variant interpretation guidelines (Richards et al. 2015 PMID: 25741868, with internal and published modifications).